The following is an entry in ClinVar:

NM_015662.3(IFT172):c.3368A>G (p.Asn1123Ser)

Gene: IFT172 (intraflagellar transport 172; minus strand). Cytogenetic location: 2p23.3.
Variant type: single nucleotide variant.
Coding change: c.3368A>G on transcript NM_015662.3 (MANE Select); coding-DNA position 3368, A replaced by G.
Protein change: p.Asn1123Ser; replaces asparagine 1123 with serine.
Molecular consequence: missense variant.
Genome position (GRCh38, 1-based): chr2:27,456,514, T>C on the plus strand (A>G on the coding strand, the complement: IFT172 is on the minus strand). VCF-style: chr2-27456514-T-C. GRCh37 (hg19) VCF-style: chr2-27679381-T-C.
Other names: c.3368A>G (NM_015662.1, NM_015662.2); short protein forms N1123S.
Identifiers: ClinVar variation 1054331 (VCV001054331.18), dbSNP rs146615936, ClinGen allele CA1580022.

ClinVar aggregate classification (germline): Conflicting classifications of pathogenicity. Review status: criteria provided, conflicting classifications (1 of 4 stars). 7 submissions from 7 submitters: Uncertain significance (6); Likely benign (1). Last evaluated 2026-08-17.

Conditions:
Retinitis pigmentosa 71 (RP71). Identifiers: Orphanet 791, MedGen C4225342, MONDO:0014618, OMIM 616394.
Short-rib thoracic dysplasia 10 with or without polydactyly (SRTD10). Identifiers: Orphanet 474, MedGen C3810175, MONDO:0014284, OMIM 615630.
Inborn genetic diseases. Identifiers: MedGen C0950123, MeSH D030342.
Bardet-Biedl syndrome 20. Identifiers: MedGen C4310707, MONDO:0023670, OMIM 619471, MONDO:0014926.
IFT172-related disorder. Also called: IFT172-related disorders; IFT172-related condition.

Allele frequency attached by ClinVar (database versions not stated): gnomAD 0.00001 and 0.00004; TOPMed 0.00003; ESP Exome Variant Server 0.00008; gnomAD exomes 0.00009 and 0.00012; ExAC 0.00013; 1000 Genomes Project 30x 0.00016; 1000 Genomes Project 0.00020.
gnomAD v4.1: 131 of 1,613,080 alleles (0.0081%); highest among the groups gnomAD compares: South Asian, 0.1%; no homozygotes.

Submissions (7):

PreventionGenetics, part of Exact Sciences
Classification: Uncertain significance for IFT172-related condition. Last evaluated: 2026-08-17. Review status: criteria provided, single submitter. Criteria: ACMG Guidelines, 2015. Collection method: clinical testing. Allele origin: germline.
Comment: The IFT172 c.3368A>G variant is predicted to result in the amino acid substitution p.Asn1123Ser. To our knowledge, this variant has not been reported in the literature. This variant is reported in 0.085% of alleles in individuals of South Asian descent in gnomAD. Although we suspect that this variant may be benign, at this time, the clinical significance of this variant is uncertain due to the absence of conclusive functional and genetic evidence.

Labcorp Genetics (formerly Invitae), Labcorp
Classification: Likely benign for Retinitis pigmentosa 71; Short-rib thoracic dysplasia 10 with or without polydactyly. Last evaluated: 2026-01-04. Review status: criteria provided, single submitter. Criteria: Invitae Variant Classification Sherloc (09022015). Collection method: clinical testing. Allele origin: germline.

Ambry Genetics
Classification: Uncertain significance for Inborn genetic diseases. Last evaluated: 2025-05-20. Review status: criteria provided, single submitter. Criteria: Ambry Variant Classification Scheme 2023. Collection method: clinical testing. Allele origin: germline.

GeneDx
Classification: Uncertain significance. Last evaluated: 2025-02-14. Review status: criteria provided, single submitter. Criteria: GeneDx Variant Classification Process June 2021. Collection method: clinical testing. Allele origin: germline. Affected: yes.
Comment: In silico analysis indicates that this missense variant does not alter protein structure/function; Has not been previously published as pathogenic or benign to our knowledge

Blueprint Genetics
Classification: Uncertain significance. Last evaluated: 2024-11-26. Review status: criteria provided, single submitter. Criteria: ACMG Guidelines, 2015. Collection method: clinical testing. Allele origin: germline.

Fulgent Genetics
Classification: Uncertain significance for Short-rib thoracic dysplasia 10 with or without polydactyly; Retinitis pigmentosa 71; Bardet-Biedl syndrome 20. Last evaluated: 2024-01-23. Review status: criteria provided, single submitter. Criteria: ACMG Guidelines, 2015. Collection method: clinical testing. Allele origin: germline.

Revvity Omics, Revvity
Classification: Uncertain significance. Last evaluated: 2021-07-21. Review status: criteria provided, single submitter. Criteria: ACMG Guidelines, 2015. Collection method: clinical testing. Allele origin: germline.